The following is an entry in ClinVar:

NM_002047.4(GARS1):c.895G>C (p.Glu299Gln)

Gene: GARS1 (glycyl-tRNA synthetase 1; plus strand). Cytogenetic location: 7p14.3.
Variant type: single nucleotide variant.
Coding change: c.895G>C on transcript NM_002047.4 (MANE Select); coding-DNA position 895, G replaced by C.
Protein change: p.Glu299Gln; replaces glutamic acid 299 with glutamine.
Molecular consequence: missense variant.
Genome position (GRCh38, 1-based): chr7:30,612,109, G>C. VCF-style: chr7-30612109-G-C. GRCh37 (hg19) VCF-style: chr7-30651725-G-C.
Other names: c.733G>C, p.Glu245Gln (NM_001316772.1); short protein forms E299Q, E245Q.
Identifiers: ClinVar variation 2845700 (VCV002845700.3), dbSNP rs1782769260, ClinGen allele CA367124849.

ClinVar aggregate classification (germline): Uncertain significance (1 of 4 stars; one submission).

Conditions:
Charcot-Marie-Tooth disease type 2. Also called: Charcot-Marie-Tooth type 2. Identifiers: Orphanet 64746, MedGen C0270914, MONDO:0018993.

Allele frequency attached by ClinVar (database versions not stated): gnomAD 0.00001; TOPMed 0.00001.
gnomAD v4.1: 1 of 1,613,936 alleles (0.000062%); highest among the groups gnomAD compares: African/African-American, 0.0013%; no homozygotes.

Submission:

Labcorp Genetics (formerly Invitae), Labcorp
Classification: Uncertain significance for Charcot-Marie-Tooth disease type 2. Last evaluated: 2025-09-08. Review status: criteria provided, single submitter. Criteria: Invitae Variant Classification Sherloc (09022015). Collection method: clinical testing. Allele origin: germline.
Comment: This sequence change replaces glutamic acid, which is acidic and polar, with glutamine, which is neutral and polar, at codon 299 of the GARS protein (p.Glu299Gln). This variant is not present in population databases (gnomAD no frequency). This variant has not been reported in the literature in individuals affected with GARS-related conditions. ClinVar contains an entry for this variant (Variation ID: 2845700). Invitae Evidence Modeling of protein sequence and biophysical properties (such as structural, functional, and spatial information, amino acid conservation, physicochemical variation, residue mobility, and thermodynamic stability) indicates that this missense variant is expected to disrupt GARS protein function with a positive predictive value of 95%. In summary, the available evidence is currently insufficient to determine the role of this variant in disease. Therefore, it has been classified as a Variant of Uncertain Significance.